The following is an entry in ClinVar:

NM_001365902.3(NFIX):c.1160C>T (p.Pro387Leu)

Gene: NFIX (nuclear factor I X; plus strand). Cytogenetic location: 19p13.13.
Variant type: single nucleotide variant.
Coding change: c.1160C>T on transcript NM_001365902.3 (MANE Select); coding-DNA position 1160, C replaced by T.
Protein change: p.Pro387Leu; replaces proline 387 with leucine.
Molecular consequence: missense variant.
Genome position (GRCh38, 1-based): chr19:13,081,761, C>T. VCF-style: chr19-13081761-C-T. GRCh37 (hg19) VCF-style: chr19-13192575-C-T.
Other names: c.1184C>T, p.Pro395Leu (NM_001271043.2); c.1136C>T, p.Pro379Leu (NM_001271044.3, NM_001378404.1); c.1037C>T, p.Pro346Leu (NM_001365982.2); c.1019C>T, p.Pro340Leu (NM_001365983.2); c.1157C>T, p.Pro386Leu (NM_001365984.2, NM_001365985.2); c.1208C>T, p.Pro403Leu (NM_001378405.1); c.1160C>T, p.Pro387Leu (NM_002501.4); short protein forms P386L, P387L, P379L, P340L, P346L, P395L, P403L.
Identifiers: ClinVar variation 2938129 (VCV002938129.3), dbSNP rs1466248772, ClinGen allele CA404304207.

ClinVar aggregate classification (germline): Uncertain significance (1 of 4 stars; one submission).

Conditions:
Malan overgrowth syndrome (MALNS). Also called: MALAN SYNDROME; NFIX-Related Malan Syndrome; Sotos syndrome 2. Identifiers: Orphanet 420179, MedGen C3553660, MONDO:0013885, OMIM 614753.
Marshall-Smith syndrome (MRSHSS). Identifiers: Orphanet 561, MedGen C0265211, MONDO:0011244, OMIM 602535.

gnomAD v4.1: 1 of 1,613,978 alleles (0.000062%); highest among the groups gnomAD compares: Non-Finnish European, 0.000085%; no homozygotes.

Submission:

Labcorp Genetics (formerly Invitae), Labcorp
Classification: Uncertain significance for Malan overgrowth syndrome; Marshall-Smith syndrome. Last evaluated: 2023-08-30. Review status: criteria provided, single submitter. Criteria: Invitae Variant Classification Sherloc (09022015). Collection method: clinical testing. Allele origin: germline.
Comment: Experimental studies and prediction algorithms are not available or were not evaluated, and the functional significance of this variant is currently unknown. This sequence change replaces proline, which is neutral and non-polar, with leucine, which is neutral and non-polar, at codon 395 of the NFIX protein (p.Pro395Leu). This variant is present in population databases (no rsID available, gnomAD 0.0009%). This variant has not been reported in the literature in individuals affected with NFIX-related conditions. In summary, the available evidence is currently insufficient to determine the role of this variant in disease. Therefore, it has been classified as a Variant of Uncertain Significance.